The following is an entry in ClinVar:

NM_000264.5(PTCH1):c.722T>G (p.Leu241Ter)

Gene: PTCH1 (patched 1; minus strand). Cytogenetic location: 9q22.32.
Variant type: single nucleotide variant.
Coding change: c.722T>G on transcript NM_000264.5 (MANE Select); coding-DNA position 722, T replaced by G.
Protein change: p.Leu241Ter; replaces leucine 241 with a stop codon.
Molecular consequence: nonsense. On other transcripts: non-coding transcript variant (1).
Genome position (GRCh38, 1-based): chr9:95,481,973, A>C on the plus strand (T>G on the coding strand, the complement: PTCH1 is on the minus strand). VCF-style: chr9-95481973-A-C. GRCh37 (hg19) VCF-style: chr9-98244255-A-C.
Other names: c.524T>G, p.Leu175Ter (NM_001083602.3, NM_001354919.2); c.719T>G, p.Leu240Ter (NM_001083603.3); c.269T>G, p.Leu90Ter (NM_001083604.3, NM_001083605.3, NM_001083606.3 and 1 more transcripts); c.722T>G, p.Leu241Ter (NM_001354918.2); short protein forms L175*, L240*, L241*, L90*.
Identifiers: ClinVar variation 1076490 (VCV001076490.7), dbSNP rs2118461277, ClinGen allele CA374114839.

ClinVar aggregate classification (germline): Pathogenic (1 of 4 stars; one submission).

Conditions:
Gorlin syndrome. Also called: Basal cell nevus syndrome; Nevoid Basal Cell Carcinoma Syndrome. Identifiers: Orphanet 377, MedGen C0004779, MONDO:0007187.

Submission:

Labcorp Genetics (formerly Invitae), Labcorp
Classification: Pathogenic for Gorlin syndrome. Last evaluated: 2020-10-27. Review status: criteria provided, single submitter. Criteria: Invitae Variant Classification Sherloc (09022015). Collection method: clinical testing. Allele origin: germline.
Comment: This sequence change creates a premature translational stop signal (p.Leu241*) in the PTCH1 gene. It is expected to result in an absent or disrupted protein product. Loss-of-function variants in PTCH1 are known to be pathogenic (PMID: 16301862, 16419085). This variant is not present in population databases (ExAC no frequency). This variant has not been reported in the literature in individuals with PTCH1-related conditions. For these reasons, this variant has been classified as Pathogenic.

Literature cited by the submitters: PubMed 16301862; PubMed 16419085.